The following is an entry in ClinVar:

NM_005120.3(MED12):c.2281G>A (p.Gly761Arg)

Gene: MED12 (mediator complex subunit 12; plus strand). Cytogenetic location: Xq13.1.
Variant type: single nucleotide variant.
Coding change: c.2281G>A on transcript NM_005120.3 (MANE Select); coding-DNA position 2281, G replaced by A.
Protein change: p.Gly761Arg; replaces glycine 761 with arginine.
Molecular consequence: missense variant.
Genome position (GRCh38, 1-based): chrX:71,125,405, G>A. VCF-style: chrX-71125405-G-A. GRCh37 (hg19) VCF-style: chrX-70345255-G-A.
Other names: short protein forms G761R.
Identifiers: ClinVar variation 2697488 (VCV002697488.3), dbSNP rs2147792896, ClinGen allele CA413511894.

ClinVar aggregate classification (germline): Uncertain significance (1 of 4 stars; one submission).

Conditions:
FG syndrome (FGS). Identifiers: MedGen C0220769, MONDO:0002010.

Submission:

Labcorp Genetics (formerly Invitae), Labcorp
Classification: Uncertain significance for FG syndrome. Last evaluated: 2023-11-19. Review status: criteria provided, single submitter. Criteria: Invitae Variant Classification Sherloc (09022015). Collection method: clinical testing. Allele origin: germline.
Comment: This sequence change replaces glycine, which is neutral and non-polar, with arginine, which is basic and polar, at codon 761 of the MED12 protein (p.Gly761Arg). This variant is not present in population databases (gnomAD no frequency). This variant has not been reported in the literature in individuals affected with MED12-related conditions. Advanced modeling of protein sequence and biophysical properties (such as structural, functional, and spatial information, amino acid conservation, physicochemical variation, residue mobility, and thermodynamic stability) performed at Invitae indicates that this missense variant is expected to disrupt MED12 protein function with a positive predictive value of 95%. In summary, the available evidence is currently insufficient to determine the role of this variant in disease. Therefore, it has been classified as a Variant of Uncertain Significance.